The following is an entry in ClinVar:

NM_201384.3(PLEC):c.1430T>C (p.Leu477Pro)

Gene: PLEC (plectin; minus strand). Cytogenetic location: 8q24.3.
Variant type: single nucleotide variant.
Coding change: c.1430T>C on transcript NM_201384.3 (MANE Select); coding-DNA position 1430, T replaced by C.
Protein change: p.Leu477Pro; replaces leucine 477 with proline.
Molecular consequence: missense variant.
Genome position (GRCh38, 1-based): chr8:143,933,100, A>G on the plus strand (T>C on the coding strand, the complement: PLEC is on the minus strand). VCF-style: chr8-143933100-A-G. GRCh37 (hg19) VCF-style: chr8-145007268-A-G.
Other names: c.1511T>C, p.Leu504Pro (NM_000445.5); c.1388T>C, p.Leu463Pro (NM_201378.4); c.1364T>C, p.Leu455Pro (NM_201379.3); c.1841T>C, p.Leu614Pro (NM_201380.4); c.1334T>C, p.Leu445Pro (NM_201381.3); c.1430T>C, p.Leu477Pro (NM_201382.4); c.1442T>C, p.Leu481Pro (NM_201383.3); short protein forms L445P, L477P, L614P, L455P, L463P, L504P, L481P.
Identifiers: ClinVar variation 852850 (VCV000852850.7), dbSNP rs1827879849, ClinGen allele CA372581683.

ClinVar aggregate classification (germline): Uncertain significance (1 of 4 stars; one submission).

Conditions:
Autosomal recessive limb-girdle muscular dystrophy type 2Q (LGMDR17). Also called: MUSCULAR DYSTROPHY, LIMB-GIRDLE, AUTOSOMAL RECESSIVE 17. Identifiers: Orphanet 254361, MedGen C3150989, MONDO:0013390, OMIM 613723.
Epidermolysis bullosa simplex 5B, with muscular dystrophy (EBS5B). Also called: Epidermolysis bullosa simplex with muscular dystrophy; EPIDERMOLYSIS BULLOSA SIMPLEX AND LIMB-GIRDLE MUSCULAR DYSTROPHY. Identifiers: Orphanet 257, MedGen C2931072, MONDO:0009181, OMIM 226670.
Epidermolysis bullosa simplex, Ogna type (EBS5A). Also called: Pidermolysis bullosa simplex 5A, Ogna type; EPIDERMOLYSIS BULLOSA SIMPLEX 5A, OGNA TYPE. Identifiers: Orphanet 79401, MedGen C0432317, MONDO:0007555, OMIM 131950.
Epidermolysis bullosa simplex 5C, with pyloric atresia (EBS5C). Also called: PLEC1-Related Epidermolysis Bullosa with Pyloric Atresia; Epidermolysis bullosa simplex with pyloric atresia; PLEC-Related Epidermolysis Bullosa with Pyloric Atresia. Identifiers: Orphanet 158684, MedGen C2677349, MONDO:0012807, OMIM 612138.
Epidermolysis bullosa simplex with nail dystrophy (EBS5D). Identifiers: MedGen C4225309, MONDO:0014661, OMIM 616487.

Allele frequency attached by ClinVar (database versions not stated): gnomAD exomes below 0.00001.
gnomAD v4.1: 1 of 1,594,110 alleles (0.000063%); highest among the groups gnomAD compares: Non-Finnish European, 0.000085%; no homozygotes.

Submission:

Labcorp Genetics (formerly Invitae), Labcorp
Classification: Uncertain significance for Autosomal recessive limb-girdle muscular dystrophy type 2Q; Epidermolysis bullosa simplex, Ogna type; Epidermolysis bullosa simplex with nail dystrophy; Epidermolysis bullosa simplex 5C, with pyloric atresia; Epidermolysis bullosa simplex 5B, with muscular dystrophy. Last evaluated: 2019-11-22. Review status: criteria provided, single submitter. Criteria: Invitae Variant Classification Sherloc (09022015). Collection method: clinical testing. Allele origin: germline.
Comment: This variant is not present in population databases (ExAC no frequency). In summary, the available evidence is currently insufficient to determine the role of this variant in disease. Therefore, it has been classified as a Variant of Uncertain Significance. Algorithms developed to predict the effect of missense changes on protein structure and function are either unavailable or do not agree on the potential impact of this missense change (SIFT: "Deleterious"; PolyPhen-2: "Not Available"; Align-GVGD: "Class C65"). This variant has not been reported in the literature in individuals with PLEC-related conditions. This sequence change replaces leucine with proline at codon 504 of the PLEC protein (p.Leu504Pro). The leucine residue is highly conserved and there is a moderate physicochemical difference between leucine and proline.